The following is an entry in ClinVar:

NM_152384.3(BBS5):c.516T>C (p.Ser172=)

Gene: BBS5 (Bardet-Biedl syndrome 5; plus strand). Cytogenetic location: 2q31.1.
Variant type: single nucleotide variant.
Coding change: c.516T>C on transcript NM_152384.3 (MANE Select); coding-DNA position 516, T replaced by C.
Protein change: p.Ser172=; no amino-acid change (serine 172 retained).
Molecular consequence: synonymous variant.
Genome position (GRCh38, 1-based): chr2:169,493,003, T>C. VCF-style: chr2-169493003-T-C. GRCh37 (hg19) VCF-style: chr2-170349513-T-C.
Identifiers: ClinVar variation 701357 (VCV000701357.18), dbSNP rs758562179, ClinGen allele CA1956216.

ClinVar aggregate classification (germline): Likely benign. Review status: criteria provided, multiple submitters, no conflicts (2 of 4 stars). 5 submissions from 5 submitters: Likely benign (4). 1 of the submissions does not count toward it. Last evaluated 2025-09-13.

Conditions:
BBS5-related disorder. Also called: BBS5-related condition.
Bardet-Biedl syndrome 5 (BBS5). Identifiers: Orphanet 110, MedGen C3892039, MONDO:0014434, OMIM 615983.
Bardet-Biedl syndrome (BBS). Identifiers: Orphanet 110, MedGen C0752166, MONDO:0015229.

Allele frequency attached by ClinVar (database versions not stated): gnomAD 0.00001; gnomAD exomes 0.00003 and 0.00006; TOPMed 0.00003; ExAC 0.00004.
gnomAD v4.1: 21 of 1,613,546 alleles (0.0013%); highest among the groups gnomAD compares: Admixed American, 0.033%; no homozygotes.

Submissions (5):

Labcorp Genetics (formerly Invitae), Labcorp
Classification: Likely benign for Bardet-Biedl syndrome. Last evaluated: 2025-09-13. Review status: criteria provided, single submitter. Criteria: Invitae Variant Classification Sherloc (09022015). Collection method: clinical testing. Allele origin: germline.

Blueprint Genetics
Classification: Likely benign. Last evaluated: 2022-11-02. Review status: criteria provided, single submitter. Criteria: ACMG Guidelines, 2015. Collection method: clinical testing. Allele origin: germline.

Fulgent Genetics
Classification: Likely benign for Bardet-Biedl syndrome 5. Last evaluated: 2021-08-12. Review status: criteria provided, single submitter. Criteria: ACMG Guidelines, 2015. Collection method: clinical testing. Allele origin: unknown.

Genetic Services Laboratory, University of Chicago
Classification: Likely benign. Last evaluated: 2017-06-30. Review status: criteria provided, single submitter. Criteria: ACMG Guidelines, 2015. Collection method: clinical testing. Allele origin: germline. Affected: no.

PreventionGenetics, part of Exact Sciences
Classification: Likely benign for BBS5-related condition. Last evaluated: 2020-11-02. Review status: no assertion criteria provided. Collection method: clinical testing. Allele origin: germline. Not counted in ClinVar's aggregate classification.
Comment: This variant is classified as likely benign based on ACMG/AMP sequence variant interpretation guidelines (Richards et al. 2015 PMID: 25741868, with internal and published modifications).